The following is an entry in ClinVar:

ClinVar aggregate classification (germline): Conflicting classifications of pathogenicity. Review status: criteria provided, conflicting classifications (1 of 4 stars). 2 submissions from 2 submitters: Likely pathogenic (1); Uncertain significance (1). Last evaluated 2022-01-11.

Conditions:
Catecholaminergic polymorphic ventricular tachycardia 1. Also called: RYR2-Related Catecholaminergic Polymorphic Ventricular Tachycardia; VENTRICULAR TACHYCARDIA, STRESS-INDUCED POLYMORPHIC 1; VENTRICULAR TACHYCARDIA, CATECHOLAMINERGIC POLYMORPHIC, 1, WITH OR WITHOUT ATRIAL DYSFUNCTION AND/OR DILATED CARDIOMYOPATHY. Identifiers: Orphanet 3286, MedGen C1631597, MONDO:0011484, OMIM 604772.

Allele frequency attached by ClinVar (database versions not stated): gnomAD exomes below 0.00001; ExAC 0.00001.
gnomAD v4.1: 7 of 1,611,474 alleles (0.00043%); highest among the groups gnomAD compares: South Asian, 0.0011%; no homozygotes.

Submissions (2):

Labcorp Genetics (formerly Invitae), Labcorp
Classification: Uncertain significance for Catecholaminergic polymorphic ventricular tachycardia 1. Last evaluated: 2022-01-11. Review status: criteria provided, single submitter. Criteria: Invitae Variant Classification Sherloc (09022015). Collection method: clinical testing. Allele origin: germline.
Comment: This sequence change replaces isoleucine, which is neutral and non-polar, with threonine, which is neutral and polar, at codon 270 of the CASQ2 protein (p.Ile270Thr). This variant is present in population databases (rs762381137, gnomAD 0.0009%). This variant has not been reported in the literature in individuals affected with CASQ2-related conditions. ClinVar contains an entry for this variant (Variation ID: 190745). Advanced modeling of protein sequence and biophysical properties (such as structural, functional, and spatial information, amino acid conservation, physicochemical variation, residue mobility, and thermodynamic stability) performed at Invitae indicates that this missense variant is expected to disrupt CASQ2 protein function. In summary, the available evidence is currently insufficient to determine the role of this variant in disease. Therefore, it has been classified as a Variant of Uncertain Significance.

GeneDx
Classification: Likely pathogenic. Last evaluated: 2012-06-11. Review status: criteria provided, single submitter. Criteria: GeneDx Variant Classification (06012015). Collection method: clinical testing. Allele origin: germline. Affected: yes.
Comment: p.Ile270Thr (ATT>ACT): c.809 T>C in exon 8 of the CASQ2 gene (NM_001232.3)The Ile270Thr missense change has not been published as a disease-causing mutation or as a benign polymorphism to our knowledge. Ile270Thr results in a non-conservative amino acid substitution of a neutral non-polar Isoleucine with a neutral, polar Threonine at a position that is highly conserved throughout evolution. The NHLBI ESP Exome Variant Server reports Ile270Thr was not observed in approximately 5000 samples from individuals of European and African American backgrounds, indicating it is not a common benign variant in these populations. In addition, in silico analysis predicts Ile270Thr to be possibly damaging to protein structure/function. Other homozygous missense mutations in the CASQ2 gene have been reported in association with CPVT. Heterozygous carriers for one CASQ2 mutation are generally asymptomatic, however, mildly affected heterozygotes have been reported (Postma et al., 2002).Therefore, with the clinical and molecular information available at this time, we cannot unequivocally determine the clinical significance of the Ile270Thr variant in the CASQ2 gene. Ile270Thr is a strong candidate for a disease-causing mutation. The variant is found in CPVT panel(s).

NM_001232.4(CASQ2):c.809T>C (p.Ile270Thr)

Gene: CASQ2 (calsequestrin 2; minus strand). Cytogenetic location: 1p13.1.
Variant type: single nucleotide variant.
Coding change: c.809T>C on transcript NM_001232.4 (MANE Select); coding-DNA position 809, T replaced by C.
Protein change: p.Ile270Thr; replaces isoleucine 270 with threonine.
Molecular consequence: missense variant.
Genome position (GRCh38, 1-based): chr1:115,717,869, A>G on the plus strand (T>C on the coding strand, the complement: CASQ2 is on the minus strand). VCF-style: chr1-115717869-A-G. GRCh37 (hg19) VCF-style: chr1-116260490-A-G.
Other names: p.I270T:ATT>ACT; short protein forms I270T.
Identifiers: ClinVar variation 190745 (VCV000190745.47), dbSNP rs762381137, ClinGen allele CA301904.